The following is an entry in ClinVar:

NM_052947.4(ALPK2):c.5536G>A (p.Val1846Met)

Gene: ALPK2 (alpha kinase 2; minus strand). Cytogenetic location: 18q21.31.
Variant type: single nucleotide variant.
Coding change: c.5536G>A on transcript NM_052947.4 (MANE Select); coding-DNA position 5536, G replaced by A.
Protein change: p.Val1846Met; replaces valine 1846 with methionine.
Molecular consequence: missense variant.
Genome position (GRCh38, 1-based): chr18:58,524,028, C>T on the plus strand (G>A on the coding strand, the complement: ALPK2 is on the minus strand). VCF-style: chr18-58524028-C-T. GRCh37 (hg19) VCF-style: chr18-56191260-C-T.
Other names: short protein forms V1846M.
Identifiers: ClinVar variation 1748170 (VCV001748170.2), dbSNP rs771616584, ClinGen allele CA8976449.

ClinVar aggregate classification (germline): Uncertain significance (1 of 4 stars; one submission).

Allele frequency attached by ClinVar (database versions not stated): gnomAD exomes below 0.00001; TOPMed below 0.00001; ExAC 0.00001; gnomAD 0.00001.
gnomAD v4.1: 6 of 1,613,894 alleles (0.00037%); highest among the groups gnomAD compares: Non-Finnish European, 0.00051%; no homozygotes.

Submission:

Ambry Genetics
Classification: Uncertain significance. Last evaluated: 2023-12-29. Review status: criteria provided, single submitter. Criteria: Ambry Variant Classification Scheme 2023. Collection method: clinical testing. Allele origin: germline.
Comment: The p.V1846M variant (also known as c.5536G>A), located in coding exon 6 of the ALPK2 gene, results from a G to A substitution at nucleotide position 5536. The valine at codon 1846 is replaced by methionine, an amino acid with highly similar properties. This amino acid position is conserved. In addition, this alteration is predicted to be tolerated by in silico analysis. Since supporting evidence is limited at this time, the clinical significance of this alteration remains unclear.